The following is an entry in ClinVar:

NM_015295.3(SMCHD1):c.2698A>G (p.Lys900Glu)

Gene: SMCHD1 (structural maintenance of chromosomes flexible hinge domain containing 1; plus strand). Cytogenetic location: 18p11.32.
Variant type: single nucleotide variant.
Coding change: c.2698A>G on transcript NM_015295.3 (MANE Select); coding-DNA position 2698, A replaced by G.
Protein change: p.Lys900Glu; replaces lysine 900 with glutamic acid.
Molecular consequence: missense variant.
Genome position (GRCh38, 1-based): chr18:2,724,993, A>G. VCF-style: chr18-2724993-A-G. GRCh37 (hg19) VCF-style: chr18-2724991-A-G.
Other names: short protein forms K900E.
Identifiers: ClinVar variation 1715015 (VCV001715015.5), dbSNP rs2074998019, ClinGen allele CA401682313.

ClinVar aggregate classification (germline): Uncertain significance (1 of 4 stars; one submission).

Conditions:
Facioscapulohumeral muscular dystrophy 2 (FSHD2). Also called: FACIOSCAPULOHUMERAL MUSCULAR DYSTROPHY 2, DIGENIC; MUSCULAR DYSTROPHY, FACIOSCAPULOHUMERAL, TYPE 1B; FSHD2, DIGENIC. Identifiers: Orphanet 269, MedGen C1834671, MONDO:0008031, OMIM 158901.

Allele frequency attached by ClinVar (database versions not stated): TOPMed below 0.00001.

Submission:

Labcorp Genetics (formerly Invitae), Labcorp
Classification: Uncertain significance for Facioscapulohumeral muscular dystrophy 2. Last evaluated: 2022-08-04. Review status: criteria provided, single submitter. Criteria: Invitae Variant Classification Sherloc (09022015). Collection method: clinical testing. Allele origin: germline.
Comment: This sequence change replaces lysine, which is basic and polar, with glutamic acid, which is acidic and polar, at codon 900 of the SMCHD1 protein (p.Lys900Glu). This variant is not present in population databases (gnomAD no frequency). This variant has not been reported in the literature in individuals affected with SMCHD1-related conditions. Algorithms developed to predict the effect of missense changes on protein structure and function are either unavailable or do not agree on the potential impact of this missense change (SIFT: "Deleterious"; PolyPhen-2: "Benign"; Align-GVGD: "Class C55"). In summary, the available evidence is currently insufficient to determine the role of this variant in disease. Therefore, it has been classified as a Variant of Uncertain Significance.